The following is an entry in ClinVar:

NM_000057.4(BLM):c.212T>G (p.Phe71Cys)

Gene: BLM (BLM RecQ like helicase; plus strand). Cytogenetic location: 15q26.1.
Variant type: single nucleotide variant.
Coding change: c.212T>G on transcript NM_000057.4 (MANE Select); coding-DNA position 212, T replaced by G.
Protein change: p.Phe71Cys; replaces phenylalanine 71 with cysteine.
Molecular consequence: missense variant. On other transcripts: 5 prime UTR variant (1).
Genome position (GRCh38, 1-based): chr15:90,749,480, T>G. VCF-style: chr15-90749480-T-G. GRCh37 (hg19) VCF-style: chr15-91292710-T-G.
Other names: c.212T>G, p.Phe71Cys (NM_001287246.2, NM_001287247.2); c.-1080T>G (NM_001287248.2); short protein forms F71C.
Identifiers: ClinVar variation 1786381 (VCV001786381.3), dbSNP rs2505390783, ClinGen allele CA393839769.

ClinVar aggregate classification (germline): Uncertain significance (1 of 4 stars; one submission).

Conditions:
Hereditary cancer-predisposing syndrome. Also called: Neoplastic Syndromes, Hereditary; Tumor predisposition; Hereditary Cancer Syndrome; Hereditary neoplastic syndrome. Identifiers: Orphanet 140162, MedGen C0027672, MeSH D009386, MONDO:0015356.

Submission:

Ambry Genetics
Classification: Uncertain significance for Hereditary cancer-predisposing syndrome. Last evaluated: 2025-01-17. Review status: criteria provided, single submitter. Criteria: Ambry Variant Classification Scheme 2023. Collection method: clinical testing. Allele origin: germline.
Comment: The p.F71C variant (also known as c.212T>G), located in coding exon 2 of the BLM gene, results from a T to G substitution at nucleotide position 212. The phenylalanine at codon 71 is replaced by cysteine, an amino acid with highly dissimilar properties. This amino acid position is conserved. In addition, this alteration is predicted to be tolerated by in silico analysis. Since supporting evidence is limited at this time, the clinical significance of this alteration remains unclear.